The following is an entry in ClinVar:

ClinVar aggregate classification (germline): Uncertain significance (1 of 4 stars; one submission).

gnomAD v4.1: 5 of 1,203,209 alleles (0.00042%); highest among the groups gnomAD compares: Admixed American, 0.0022%; no homozygotes.

Submission:

Ambry Genetics
Classification: Uncertain significance. Last evaluated: 2026-01-21. Review status: criteria provided, single submitter. Criteria: Ambry Variant Classification Scheme 2023. Collection method: clinical testing. Allele origin: germline.
Comment: The c.863G>A (p.R288H) alteration is located in exon 8 (coding exon 8) of the MAOB gene. This alteration results from a G to A substitution at nucleotide position 863, causing the arginine (R) at amino acid position 288 to be replaced by a histidine (H). Based on data from gnomAD, the A allele has an overall frequency of 0.001% (1/179853) total alleles studied. The highest observed frequency was 0.001% (1/80949) of European (non-Finnish) alleles. Based on insufficient or conflicting evidence, the clinical significance of this alteration remains unclear.

NM_000898.5(MAOB):c.863G>A (p.Arg288His)

Gene: MAOB (monoamine oxidase B; minus strand). Cytogenetic location: Xp11.3.
Variant type: single nucleotide variant.
Coding change: c.863G>A on transcript NM_000898.5 (MANE Select); coding-DNA position 863, G replaced by A.
Protein change: p.Arg288His; replaces arginine 288 with histidine.
Molecular consequence: missense variant.
Genome position (GRCh38, 1-based): chrX:43,793,484, C>T on the plus strand (G>A on the coding strand, the complement: MAOB is on the minus strand). VCF-style: chrX-43793484-C-T. GRCh37 (hg19) VCF-style: chrX-43652731-C-T.
Other names: short protein forms R288H.
Identifiers: ClinVar variation 4832679 (VCV004832679.1).